The following is an entry in ClinVar:

NM_020944.3(GBA2):c.629G>A (p.Arg210His)

Gene: GBA2 (glucosylceramidase beta 2; minus strand). Cytogenetic location: 9p13.3.
Variant type: single nucleotide variant.
Coding change: c.629G>A on transcript NM_020944.3 (MANE Select); coding-DNA position 629, G replaced by A.
Protein change: p.Arg210His; replaces arginine 210 with histidine.
Molecular consequence: missense variant.
Genome position (GRCh38, 1-based): chr9:35,741,829, C>T on the plus strand (G>A on the coding strand, the complement: GBA2 is on the minus strand). VCF-style: chr9-35741829-C-T. GRCh37 (hg19) VCF-style: chr9-35741826-C-T.
Other names: c.629G>A, p.Arg210His (NM_001330660.2); short protein forms R210H.
Identifiers: ClinVar variation 2076529 (VCV002076529.2), dbSNP rs200824511, ClinGen allele CA5050656.

ClinVar aggregate classification (germline): Uncertain significance (1 of 4 stars; one submission).

Conditions:
Spastic paraplegia. Identifiers: MedGen C0037772, HP:0001258.

Allele frequency attached by ClinVar (database versions not stated): gnomAD exomes 0.00001; gnomAD 0.00003; TOPMed 0.00003; ExAC 0.00004; 1000 Genomes Project 30x 0.00016; 1000 Genomes Project 0.00020.
gnomAD v4.1: 29 of 1,613,826 alleles (0.0018%); highest among the groups gnomAD compares: East Asian, 0.013%; no homozygotes.

Submission:

Labcorp Genetics (formerly Invitae), Labcorp
Classification: Uncertain significance for Spastic paraplegia. Last evaluated: 2025-04-21. Review status: criteria provided, single submitter. Criteria: Invitae Variant Classification Sherloc (09022015). Collection method: clinical testing. Allele origin: germline.
Comment: This sequence change replaces arginine, which is basic and polar, with histidine, which is basic and polar, at codon 210 of the GBA2 protein (p.Arg210His). This variant is present in population databases (rs200824511, gnomAD 0.04%). This variant has not been reported in the literature in individuals affected with GBA2-related conditions. ClinVar contains an entry for this variant (Variation ID: 2076529). Invitae Evidence Modeling of protein sequence and biophysical properties (such as structural, functional, and spatial information, amino acid conservation, physicochemical variation, residue mobility, and thermodynamic stability) indicates that this missense variant is not expected to disrupt GBA2 protein function with a negative predictive value of 80%. In summary, the available evidence is currently insufficient to determine the role of this variant in disease. Therefore, it has been classified as a Variant of Uncertain Significance.